The following is an entry in ClinVar:

NM_152564.5(VPS13B):c.8056C>T (p.Leu2686Phe)

Gene: VPS13B (vacuolar protein sorting 13 homolog B; plus strand). Cytogenetic location: 8q22.2.
Variant type: single nucleotide variant.
Coding change: c.8056C>T on transcript NM_152564.5 (MANE Select); coding-DNA position 8056, C replaced by T.
Protein change: p.Leu2686Phe; replaces leucine 2686 with phenylalanine.
Molecular consequence: missense variant.
Genome position (GRCh38, 1-based): chr8:99,809,489, C>T. VCF-style: chr8-99809489-C-T. GRCh37 (hg19) VCF-style: chr8-100821717-C-T.
Other names: c.8131C>T, p.Leu2711Phe (NM_017890.5); c.8131C>T (NM_017890.3); short protein forms L2686F, L2711F.
Identifiers: ClinVar variation 3349051 (VCV003349051.2).

ClinVar aggregate classification (germline): Uncertain significance. Review status: criteria provided, single submitter (1 of 4 stars). 2 submissions from 2 submitters: Uncertain significance (1). 1 of the submissions does not count toward it. Last evaluated 2025-01-21.

Conditions:
VPS13B-related disorder. Also called: VPS13B-related condition.
Inborn genetic diseases. Identifiers: MedGen C0950123, MeSH D030342.

gnomAD v4.1: 6 of 1,613,896 alleles (0.00037%); highest among the groups gnomAD compares: Middle Eastern, 0.016%; no homozygotes.

Submissions (2):

Ambry Genetics
Classification: Uncertain significance for Inborn genetic diseases. Last evaluated: 2025-01-21. Review status: criteria provided, single submitter. Criteria: Ambry Variant Classification Scheme 2023. Collection method: clinical testing. Allele origin: germline.

PreventionGenetics, part of Exact Sciences
Classification: Uncertain significance for VPS13B-related condition. Last evaluated: 2023-12-01. Review status: no assertion criteria provided. Collection method: clinical testing. Allele origin: germline. Not counted in ClinVar's aggregate classification.
Comment: The VPS13B c.8056C>T variant is predicted to result in the amino acid substitution p.Leu2686Phe. To our knowledge, this variant has not been reported in the literature. This variant is reported in 0.00088% of alleles in individuals of European (Non-Finnish) descent in gnomAD. At this time, the clinical significance of this variant is uncertain due to the absence of conclusive functional and genetic evidence.